The following is an entry in ClinVar:

NM_018117.12(WDR11):c.2833G>C (p.Ala945Pro)

Gene: WDR11 (WD repeat domain 11; plus strand). Cytogenetic location: 10q26.12.
Variant type: single nucleotide variant.
Coding change: c.2833G>C on transcript NM_018117.12 (MANE Select); coding-DNA position 2833, G replaced by C.
Protein change: p.Ala945Pro; replaces alanine 945 with proline.
Molecular consequence: missense variant.
Genome position (GRCh38, 1-based): chr10:120,903,134, G>C. VCF-style: chr10-120903134-G-C. GRCh37 (hg19) VCF-style: chr10-122662646-G-C.
Other names: short protein forms A945P.
Identifiers: ClinVar variation 3392681 (VCV003392681.1).

ClinVar aggregate classification (germline): Uncertain significance (1 of 4 stars; one submission).

gnomAD v4.1: 9 of 1,614,070 alleles (0.00056%); highest among the groups gnomAD compares: Non-Finnish European, 0.00076%; no homozygotes.

Submission:

GeneDx
Classification: Uncertain significance. Last evaluated: 2024-06-23. Review status: criteria provided, single submitter. Criteria: GeneDx Variant Classification Process June 2021. Collection method: clinical testing. Allele origin: germline. Affected: yes.
Comment: Not observed at significant frequency in large population cohorts (gnomAD); In silico analysis indicates that this missense variant does not alter protein structure/function; Has not been previously published as pathogenic or benign to our knowledge